The following is an entry in ClinVar:

ClinVar aggregate classification (germline): Uncertain significance (1 of 4 stars; one submission).

Conditions:
Atrial fibrillation, familial, 11 (ATFB11). Identifiers: MedGen C3279693, MONDO:0013544, OMIM 614049.
Atrial standstill 1 (ATRST1). Also called: ATRIAL CARDIOMYOPATHY WITH HEART BLOCK; CARDIOMYOPATHY, FAMILIAL, WITH CONDUCTION DISTURBANCE; Atrial standstill, digenic (GJA5/SCN5A). Identifiers: Orphanet 1344, MedGen C4551959, MONDO:0007171, OMIM 108770.

Submission:

Labcorp Genetics (formerly Invitae), Labcorp
Classification: Uncertain significance for Atrial fibrillation, familial, 11; Atrial standstill 1. Last evaluated: 2022-01-15. Review status: criteria provided, single submitter. Criteria: Invitae Variant Classification Sherloc (09022015). Collection method: clinical testing. Allele origin: germline.
Comment: This sequence change replaces arginine, which is basic and polar, with histidine, which is basic and polar, at codon 106 of the GJA5 protein (p.Arg106His). This variant is not present in population databases (gnomAD no frequency). This variant has not been reported in the literature in individuals affected with GJA5-related conditions. Algorithms developed to predict the effect of missense changes on protein structure and function are either unavailable or do not agree on the potential impact of this missense change (SIFT: "Deleterious"; PolyPhen-2: "Benign"; Align-GVGD: "Class C0"). In summary, the available evidence is currently insufficient to determine the role of this variant in disease. Therefore, it has been classified as a Variant of Uncertain Significance.

NM_181703.4(GJA5):c.317G>A (p.Arg106His)

Gene: GJA5 (gap junction protein alpha 5; minus strand). Cytogenetic location: 1q21.2.
Variant type: single nucleotide variant.
Coding change: c.317G>A on transcript NM_181703.4 (MANE Select); coding-DNA position 317, G replaced by A.
Protein change: p.Arg106His; replaces arginine 106 with histidine.
Molecular consequence: missense variant.
Genome position (GRCh38, 1-based): chr1:147,758,922, C>T on the plus strand (G>A on the coding strand, the complement: GJA5 is on the minus strand). VCF-style: chr1-147758922-C-T. GRCh37 (hg19) VCF-style: chr1-147231030-C-T.
Other names: c.317G>A, p.Arg106His (NM_005266.7); short protein forms R106H.
Identifiers: ClinVar variation 1902463 (VCV001902463.5), dbSNP rs367924086, ClinGen allele CA342396994.